The following is an entry in ClinVar:

ClinVar aggregate classification (germline): Uncertain significance (1 of 4 stars; one submission).

Conditions:
Very long chain acyl-CoA dehydrogenase deficiency (ACADVLD). Also called: VLCAD Deficiency; Very Long-Chain Acyl-Coenzyme A Dehydrogenase Deficiency. Identifiers: Orphanet 26793, MedGen C3887523, MONDO:0008723, OMIM 201475.

Submission:

Labcorp Genetics (formerly Invitae), Labcorp
Classification: Uncertain significance for Very long chain acyl-CoA dehydrogenase deficiency. Last evaluated: 2022-06-09. Review status: criteria provided, single submitter. Criteria: Invitae Variant Classification Sherloc (09022015). Collection method: clinical testing. Allele origin: germline.
Comment: In summary, the available evidence is currently insufficient to determine the role of this variant in disease. Therefore, it has been classified as a Variant of Uncertain Significance. Algorithms developed to predict the effect of missense changes on protein structure and function (SIFT, PolyPhen-2, Align-GVGD) all suggest that this variant is likely to be tolerated. This variant has not been reported in the literature in individuals affected with ACADVL-related conditions. This variant is not present in population databases (gnomAD no frequency). This sequence change replaces proline, which is neutral and non-polar, with threonine, which is neutral and polar, at codon 625 of the ACADVL protein (p.Pro625Thr).

NM_000018.4(ACADVL):c.1873C>A (p.Pro625Thr)

Gene: ACADVL (acyl-CoA dehydrogenase very long chain; plus strand). Cytogenetic location: 17p13.1.
Variant type: single nucleotide variant.
Coding change: c.1873C>A on transcript NM_000018.4 (MANE Select); coding-DNA position 1873, C replaced by A.
Protein change: p.Pro625Thr; replaces proline 625 with threonine.
Molecular consequence: missense variant.
Genome position (GRCh38, 1-based): chr17:7,225,002, C>A. VCF-style: chr17-7225002-C-A. GRCh37 (hg19) VCF-style: chr17-7128321-C-A.
Other names: c.1807C>A, p.Pro603Thr (NM_001033859.3); c.1942C>A, p.Pro648Thr (NM_001270447.2); c.1645C>A, p.Pro549Thr (NM_001270448.2); short protein forms P603T, P625T, P648T, P549T.
Identifiers: ClinVar variation 1928971 (VCV001928971.5), dbSNP rs377044444, ClinGen allele CA287441389.